The following is an entry in ClinVar:

NM_001080414.4(CCDC88C):c.912C>T (p.Asp304=)

Gene: CCDC88C (coiled-coil and HOOK domain protein 88C; minus strand). Cytogenetic location: 14q32.11.
Variant type: single nucleotide variant.
Coding change: c.912C>T on transcript NM_001080414.4 (MANE Select); coding-DNA position 912, C replaced by T.
Protein change: p.Asp304=; no amino-acid change (aspartic acid 304 retained).
Molecular consequence: synonymous variant.
Genome position (GRCh38, 1-based): chr14:91,338,143, G>A on the plus strand (C>T on the coding strand, the complement: CCDC88C is on the minus strand). VCF-style: chr14-91338143-G-A. GRCh37 (hg19) VCF-style: chr14-91804487-G-A.
Other names: p.Asp304=.
Identifiers: ClinVar variation 158128 (VCV000158128.57), dbSNP rs61736349, ClinGen allele CA171559.

ClinVar aggregate classification (germline): Benign/Likely benign. Review status: criteria provided, multiple submitters, no conflicts (2 of 4 stars). 5 submissions from 5 submitters: Benign (2); Likely benign (3). Last evaluated 2026-02-04.

Allele frequency attached by ClinVar (database versions not stated): gnomAD 0.00432 and 0.00446; ESP Exome Variant Server 0.00527; gnomAD exomes 0.00633 and 0.00420; 1000 Genomes Project 0.00120; 1000 Genomes Project 30x 0.00141; TOPMed 0.00400; ExAC 0.00432.
gnomAD v4.1: 9,824 of 1,613,808 alleles (0.61%); highest among the groups gnomAD compares: Non-Finnish European, 0.75%; 47 homozygotes.

Submissions (5):

Labcorp Genetics (formerly Invitae), Labcorp
Classification: Benign. Last evaluated: 2026-02-04. Review status: criteria provided, single submitter. Criteria: Invitae Variant Classification Sherloc (09022015). Collection method: clinical testing. Allele origin: germline.

Mayo Clinic Laboratories, Mayo Clinic
Classification: Benign. Last evaluated: 2025-04-15. Review status: criteria provided, single submitter. Criteria: ACMG Guidelines, 2015. Collection method: clinical testing. Allele origin: germline. Observed: 1 variant allele.
Comment: BS1, BS2, BP4, BP7

CeGaT Center for Human Genetics Tuebingen
Classification: Likely benign. Last evaluated: 2023-03-01. Review status: criteria provided, single submitter. Criteria: CeGaT Center For Human Genetics Tuebingen Variant Classification Criteria Version 2. Collection method: clinical testing. Allele origin: germline. Affected: yes. Observed: 8 variant alleles.
Comment: CCDC88C: BP4, BP7, BS2

Genetic Services Laboratory, University of Chicago
Classification: Likely benign. Last evaluated: 2015-11-18. Review status: criteria provided, single submitter. Criteria: ACMG Guidelines, 2015. Collection method: clinical testing. Allele origin: germline. Affected: no.

Breakthrough Genomics
Classification: Likely benign. Review status: criteria provided, single submitter. Criteria: ACMG Guidelines, 2015. Collection method: not provided. Allele origin: germline. Inheritance: Autosomal recessive inheritance. Affected: yes.